The following is an entry in ClinVar:

ClinVar aggregate classification (germline): Uncertain significance. Review status: criteria provided, multiple submitters, no conflicts (2 of 4 stars). 2 submissions from 2 submitters: Uncertain significance (2). Last evaluated 2024-04-15.

Conditions:
Neutral 1 amino acid transport defect (HND). Also called: HARTNUP DISORDER; Hartnup disease. Identifiers: Orphanet 2116, MedGen C0018609, MONDO:0009324, OMIM 234500.

Allele frequency attached by ClinVar (database versions not stated): ExAC 0.00001; gnomAD exomes 0.00001 and 0.00002; TOPMed 0.00001.
gnomAD v4.1: 10 of 1,613,586 alleles (0.00062%); highest among the groups gnomAD compares: East Asian, 0.0022%; no homozygotes.

Submissions (2):

Fulgent Genetics
Classification: Uncertain significance for Neutral 1 amino acid transport defect. Last evaluated: 2024-04-15. Review status: criteria provided, single submitter. Criteria: ACMG Guidelines, 2015. Collection method: clinical testing. Allele origin: germline.

Labcorp Genetics (formerly Invitae), Labcorp
Classification: Uncertain significance. Last evaluated: 2022-07-18. Review status: criteria provided, single submitter. Criteria: Invitae Variant Classification Sherloc (09022015). Collection method: clinical testing. Allele origin: germline.
Comment: This sequence change replaces arginine, which is basic and polar, with glutamine, which is neutral and polar, at codon 366 of the SLC6A19 protein (p.Arg366Gln). This variant is present in population databases (rs750499474, gnomAD 0.004%). This variant has not been reported in the literature in individuals affected with SLC6A19-related conditions. ClinVar contains an entry for this variant (Variation ID: 1421821). Advanced modeling of protein sequence and biophysical properties (such as structural, functional, and spatial information, amino acid conservation, physicochemical variation, residue mobility, and thermodynamic stability) performed at Invitae indicates that this missense variant is not expected to disrupt SLC6A19 protein function. In summary, the available evidence is currently insufficient to determine the role of this variant in disease. Therefore, it has been classified as a Variant of Uncertain Significance.

NM_001003841.3(SLC6A19):c.1097G>A (p.Arg366Gln)

Gene: SLC6A19 (solute carrier family 6 member 19; plus strand). Cytogenetic location: 5p15.33.
Variant type: single nucleotide variant.
Coding change: c.1097G>A on transcript NM_001003841.3 (MANE Select); coding-DNA position 1097, G replaced by A.
Protein change: p.Arg366Gln; replaces arginine 366 with glutamine.
Molecular consequence: missense variant.
Genome position (GRCh38, 1-based): chr5:1,216,869, G>A. VCF-style: chr5-1216869-G-A. GRCh37 (hg19) VCF-style: chr5-1216984-G-A.
Other names: short protein forms R366Q.
Identifiers: ClinVar variation 1421821 (VCV001421821.6), dbSNP rs750499474, ClinGen allele CA3183035.
Genomic context (GRCh38, chr5:1,216,869, plus strand): 5'-ACGGGTTCGACCTGCCTGAAGGCAACGTGACCCAGGAGAACTTTGTGGACATGCAGCAGC[G>A]GTGCAACGCCTCCGACCCCGCGGCCTACGCGCAGCTGGTGTTCCAGACCTGCGACATCAA-3'
Protein context (NP_001003841.1, residues 356-376): TQENFVDMQQ[Arg366Gln]CNASDPAAYA